The following is an entry in ClinVar:

ClinVar aggregate classification (germline): Uncertain significance (1 of 4 stars; one submission).

Conditions:
Hereditary cancer-predisposing syndrome. Also called: Hereditary Cancer Syndrome; Hereditary neoplastic syndrome; Neoplastic Syndromes, Hereditary; Tumor predisposition. Identifiers: Orphanet 140162, MedGen C0027672, MeSH D009386, MONDO:0015356.

Submission:

Ambry Genetics
Classification: Uncertain significance for Hereditary cancer-predisposing syndrome. Last evaluated: 2025-09-24. Review status: criteria provided, single submitter. Criteria: Ambry Variant Classification Scheme 2023. Collection method: clinical testing. Allele origin: germline.
Comment: The p.A1471E variant (also known as c.4412C>A), located in coding exon 15 of the APC gene, results from a C to A substitution at nucleotide position 4412. The alanine at codon 1471 is replaced by glutamic acid, an amino acid with dissimilar properties. This amino acid position is well conserved in available vertebrate species. In addition, in silico predictors for this gene do not accurately predict pathogenicity. Missense alterations in APC are not a common cause of disease (Spier I et al. Genet Med. 2024 Feb;26(2):100992). Based on the available evidence, the clinical significance of this variant remains unclear.

NM_000038.6(APC):c.4412C>A (p.Ala1471Glu)

Gene: APC (APC regulator of Wnt signaling pathway; plus strand). Cytogenetic location: 5q22.2.
Variant type: single nucleotide variant.
Coding change: c.4412C>A on transcript NM_000038.6 (MANE Select); coding-DNA position 4412, C replaced by A.
Protein change: p.Ala1471Glu; replaces alanine 1471 with glutamic acid.
Molecular consequence: missense variant.
Genome position (GRCh38, 1-based): chr5:112,840,006, C>A. VCF-style: chr5-112840006-C-A. GRCh37 (hg19) VCF-style: chr5-112175703-C-A.
Other names: c.4412C>A, p.Ala1471Glu (NM_001127510.3, NM_001354895.2, NM_001407450.1); c.4358C>A, p.Ala1453Glu (NM_001127511.3); c.4466C>A, p.Ala1489Glu (NM_001354896.2, NM_001407447.1, NM_001407448.1 and 1 more transcripts); c.4442C>A, p.Ala1481Glu (NM_001354897.2); c.4337C>A, p.Ala1446Glu (NM_001354898.2); c.4328C>A, p.Ala1443Glu (NM_001354899.2); c.4289C>A, p.Ala1430Glu (NM_001354900.2); c.4235C>A, p.Ala1412Glu (NM_001354901.2, NM_001407453.1); and 11 more; short protein forms A1453E, A1489E, A1499E, A1311E, A1345E, A1388E, A1412E, A1342E.
Identifiers: ClinVar variation 1740410 (VCV001740410.3), dbSNP rs2149914106, ClinGen allele CA16030993.
Genomic context (GRCh38, chr5:112,840,006, plus strand): 5'-AAGTACCTAAAAATAAAGCACCTACTGCTGAAAAGAGAGAGAGTGGACCTAAGCAAGCTG[C>A]AGTAAATGCTGCAGTTCAGAGGGTCCAGGTTCTTCCAGATGCTGATACTTTATTACATTT-3'
Protein context (NP_000029.2, residues 1461-1481): EKRESGPKQA[Ala1471Glu]VNAAVQRVQV